The following is an entry in ClinVar:

ClinVar aggregate classification (germline): Likely benign. Review status: criteria provided, multiple submitters, no conflicts (2 of 4 stars). 2 submissions from 2 submitters: Likely benign (2). Last evaluated 2024-12-23.

Conditions:
IMPG2-related disorder. Also called: IMPG2-related condition.

Allele frequency attached by ClinVar (database versions not stated): gnomAD exomes below 0.00001 and 0.00001; ExAC 0.00001; gnomAD 0.00001; TOPMed 0.00001.
gnomAD v4.1: 3 of 1,611,266 alleles (0.00019%); highest among the groups gnomAD compares: Admixed American, 0.0033%; no homozygotes.

Submissions (2):

PreventionGenetics, part of Exact Sciences
Classification: Likely benign for IMPG2-related condition. Last evaluated: 2024-12-23. Review status: criteria provided, single submitter. Criteria: ACMG Guidelines, 2015. Collection method: clinical testing. Allele origin: germline.
Comment: This variant is classified as likely benign based on ACMG/AMP sequence variant interpretation guidelines (Richards et al. 2015 PMID: 25741868, with internal and published modifications).

Labcorp Genetics (formerly Invitae), Labcorp
Classification: Likely benign. Last evaluated: 2021-12-24. Review status: criteria provided, single submitter. Criteria: Invitae Variant Classification Sherloc (09022015). Collection method: clinical testing. Allele origin: germline.

NM_016247.4(IMPG2):c.3634-4T>C

Gene: IMPG2 (interphotoreceptor matrix proteoglycan 2; minus strand). Cytogenetic location: 3q12.3.
Variant type: single nucleotide variant.
Coding change: c.3634-4T>C on transcript NM_016247.4 (MANE Select); 4 bases into the intron before coding-DNA position 3634, T replaced by C.
Molecular consequence: intron variant.
Genome position (GRCh38, 1-based): chr3:101,228,880, A>G on the plus strand (T>C on the coding strand, the complement: IMPG2 is on the minus strand). VCF-style: chr3-101228880-A-G. GRCh37 (hg19) VCF-style: chr3-100947724-A-G.
Other names: c.3634-4T>C (NM_016247.3).
Identifiers: ClinVar variation 1112292 (VCV001112292.10), dbSNP rs746000492, ClinGen allele CA2518692.
Genomic context (GRCh38, chr3:101,228,880, plus strand): 5'-TGCAAACTCAGGATCATTGGCATACAGTTCCAAAACTCTCATTCTCTCTTGAATTTCCTT[A>G]AACAAAAAAGAAACAATAGGCCACACATTGCATTAGAAAAACCTCAACAGCCTTTTAAAA-3'